The following is an entry in ClinVar:

ClinVar aggregate classification (germline): Pathogenic. Review status: criteria provided, multiple submitters, no conflicts (2 of 4 stars). 3 submissions from 3 submitters: Pathogenic (3). Last evaluated 2025-09-29.

Conditions:
Chilblain lupus 2 (CHBL2). Identifiers: MedGen C3280721, MONDO:0013739, OMIM 614415.
Aicardi-Goutieres syndrome 5. Identifiers: Orphanet 51, MedGen C2749659, MONDO:0013059, OMIM 612952.
Aicardi Goutieres syndrome (AGS). Also called: Encephalopathy, familial infantile, with calcification of basal ganglia and chronic cerebrospinal fluid lymphocytosis. Identifiers: Orphanet 51, MedGen C0393591, MONDO:0018866.

Allele frequency attached by ClinVar (database versions not stated): gnomAD exomes 0.00001.
gnomAD v4.1: 7 of 1,613,146 alleles (0.00043%); highest among the groups gnomAD compares: Non-Finnish European, 0.00042%; no homozygotes.

Submissions (3):

Natera, Inc.
Classification: Pathogenic for Aicardi-Goutieres syndrome. Last evaluated: 2025-09-29. Review status: criteria provided, single submitter. Criteria: Natera Variant Classification Schema (03/2026). Collection method: clinical testing. Allele origin: germline.
Comment: The c.703C>T variant in SAMHD1 is a nonsense variant predicted to introduce a stop codon at amino acid 235. This variant is expected to result in nonsense mediated decay, truncation, or a dysfunctional protein product. This variant is rare in the general population with a frequency below the threshold expected for the associated phenotype(s). This variant has been observed in one or more individuals affected with the associated recessive disease, as either homozygous or compound heterozygous with a second variant (PMID: 27943079, 35418820). Given the available evidence, this variant is classified as Pathogenic.

Labcorp Genetics (formerly Invitae), Labcorp
Classification: Pathogenic for Aicardi-Goutieres syndrome 5. Last evaluated: 2024-03-07. Review status: criteria provided, single submitter. Criteria: Invitae Variant Classification Sherloc (09022015). Collection method: clinical testing. Allele origin: germline.
Comment: This sequence change creates a premature translational stop signal (p.Gln235*) in the SAMHD1 gene. It is expected to result in an absent or disrupted protein product. Loss-of-function variants in SAMHD1 are known to be pathogenic (PMID: 19525956, 22461318). This variant is present in population databases (no rsID available, gnomAD 0.0008%). This variant has not been reported in the literature in individuals affected with SAMHD1-related conditions. ClinVar contains an entry for this variant (Variation ID: 1453548). For these reasons, this variant has been classified as Pathogenic.

Fulgent Genetics
Classification: Pathogenic for Aicardi-Goutieres syndrome 5; Chilblain lupus 2. Last evaluated: 2024-01-25. Review status: criteria provided, single submitter. Criteria: ACMG Guidelines, 2015. Collection method: clinical testing. Allele origin: germline.

Literature cited by the submitters: PubMed 27943079 (cited by Natera, Inc.); PubMed 35418820 (cited by Natera, Inc.); PubMed 19525956 (cited by Labcorp Genetics (formerly Invitae), Labcorp); PubMed 22461318 (cited by Labcorp Genetics (formerly Invitae), Labcorp).

NM_015474.4(SAMHD1):c.703C>T (p.Gln235Ter)

Gene: SAMHD1 (SAM and HD domain containing deoxynucleoside triphosphate triphosphohydrolase 1; minus strand). Cytogenetic location: 20q11.23.
Variant type: single nucleotide variant.
Coding change: c.703C>T on transcript NM_015474.4 (MANE Select); coding-DNA position 703, C replaced by T.
Protein change: p.Gln235Ter; replaces glutamine 235 with a stop codon.
Molecular consequence: nonsense.
Genome position (GRCh38, 1-based): chr20:36,919,513, G>A on the plus strand (C>T on the coding strand, the complement: SAMHD1 is on the minus strand). VCF-style: chr20-36919513-G-A. GRCh37 (hg19) VCF-style: chr20-35547916-G-A.
Other names: c.703C>T (NM_015474.3); c.703C>T, p.Gln235Ter (NM_001363729.2, NM_001363733.2); short protein forms Q235*.
Identifiers: ClinVar variation 1453548 (VCV001453548.8), dbSNP rs750807433, ClinGen allele CA408846659.